The following is an entry in ClinVar:

ClinVar aggregate classification (germline): Uncertain significance (1 of 4 stars; one submission).

Submission:

GeneDx
Classification: Uncertain significance. Last evaluated: 2023-02-08. Review status: criteria provided, single submitter. Criteria: GeneDx Variant Classification Process June 2021. Collection method: clinical testing. Allele origin: germline. Affected: yes.
Comment: Not observed at significant frequency in large population cohorts (gnomAD); Nonsense variant predicted to result in protein truncation, as the last 254 amino acids are lost, and other loss-of-function variants have been reported downstream in HGMD; Has not been previously published as pathogenic or benign to our knowledge

NM_000041.4(APOE):c.190C>T (p.Gln64Ter)

Gene: APOE (apolipoprotein E; plus strand). Cytogenetic location: 19q13.32.
Variant type: single nucleotide variant.
Coding change: c.190C>T on transcript NM_000041.4 (MANE Select); coding-DNA position 190, C replaced by T.
Protein change: p.Gln64Ter; replaces glutamine 64 with a stop codon.
Molecular consequence: nonsense.
Genome position (GRCh38, 1-based): chr19:44,907,906, C>T. VCF-style: chr19-44907906-C-T. GRCh37 (hg19) VCF-style: chr19-45411163-C-T.
Other names: c.268C>T, p.Gln90Ter (NM_001302688.2); c.190C>T, p.Gln64Ter (NM_001302689.2, NM_001302690.2, NM_001302691.2); short protein forms Q64*, Q90*.
Identifiers: ClinVar variation 2575584 (VCV002575584.1), dbSNP rs2513539751, ClinGen allele CA406303495.